The following is an entry in ClinVar:

ClinVar aggregate classification (germline): Likely pathogenic (1 of 4 stars; one submission).

Conditions:
Tuberous sclerosis 2 (TSC2). Identifiers: Orphanet 805, MedGen C1860707, MONDO:0013199, OMIM 613254.

Submission:

Institute of Human Genetics, FAU Erlangen, Friedrich-Alexander-Universität Erlangen-Nürnberg
Classification: Likely pathogenic for Tuberous sclerosis 2. Last evaluated: 2024-11-17. Review status: criteria provided, single submitter. Criteria: Hauer et al. (Genet Med. 2018). Collection method: clinical testing. Allele origin: germline. Inheritance: Unknown mechanism. Affected: yes. Observed: 1 variant allele.
Comment: This variant has been identified by standard clinical testing. Selected ACMG criteria: Likely pathogenic (I):PM2;PVS1

NM_000548.5(TSC2):c.3161dup (p.Gly1055fs)

Gene: TSC2 (TSC complex subunit 2; plus strand). Cytogenetic location: 16p13.3.
Variant type: Duplication.
Coding change: c.3161dup on transcript NM_000548.5 (MANE Select); coding-DNA position 3161, one base duplicated (G; older notation c.3161dupG).
Protein change: p.Gly1055fs; shifts the reading frame from glycine 1055.
Molecular consequence: frameshift variant. On other transcripts: non-coding transcript variant (5).
Genome position (GRCh38, 1-based): chr16:2,079,305, G duplicated; the last of 3 consecutive G bases (chr16:2,079,303-2,079,305); duplicating any one gives the same sequence. VCF-style (leftmost placement, unchanged base first): chr16-2079302-C-CG. GRCh37 (hg19) VCF-style: chr16-2129303-C-CG.
Other names: c.3029dup, p.Gly1011fs (NM_001077183.3, NM_001370404.1, NM_001406665.1); c.3161dup, p.Gly1055fs (NM_001114382.3); c.2921dup, p.Gly975fs (NM_001318827.2); c.2885dup, p.Gly963fs (NM_001318829.2); c.2429dup, p.Gly811fs (NM_001318831.2, NM_001406687.1, NM_001406688.1); c.3062dup, p.Gly1022fs (NM_001318832.2); c.3032dup, p.Gly1012fs (NM_001363528.2, NM_001370405.1, NM_021055.3); c.3158dup, p.Gly1054fs (NM_001406663.1, NM_001406664.1); and 18 more; short protein forms G1005fs, G1006fs, G1007fs, G1008fs, G1011fs, G1012fs, G1018fs, G1022fs.
Identifiers: ClinVar variation 3376539 (VCV003376539.1).